The following is an entry in ClinVar:

ClinVar aggregate classification (germline): Benign/Likely benign. Review status: criteria provided, multiple submitters, no conflicts (2 of 4 stars). 3 submissions from 3 submitters: Benign (1); Likely benign (1). 1 of the submissions does not count toward it. Last evaluated 2025-09-01.

Conditions:
Immunodeficiency 98 with autoinflammation, X-linked (IMD98). Also called: INFLAMMATION, NEUTROPENIA, BONE MARROW FAILURE, AND LYMPHOPROLIFERATION CAUSED BY TLR8. Identifiers: Orphanet 675628, MedGen C5676883, MONDO:0024777, OMIM 301078.
Autoimmune lymphoproliferative syndrome type 1. Also called: AUTOIMMUNE LYMPHOPROLIFERATIVE SYNDROME, TYPE I, AUTOSOMAL DOMINANT. Identifiers: Orphanet 3261, MedGen C2717884, MONDO:0011158, OMIM 601859.

Allele frequency attached by ClinVar (database versions not stated): TOPMed 0.00002; gnomAD 0.00003; gnomAD exomes 0.00015 and 0.00030; 1000 Genomes Project 30x 0.00016; 1000 Genomes Project 0.00020; ExAC 0.00031.

Submissions (3):

CeGaT Center for Human Genetics Tuebingen
Classification: Likely benign. Last evaluated: 2025-09-01. Review status: criteria provided, single submitter. Criteria: CeGaT Center For Human Genetics Tuebingen Variant Classification Criteria Version 2. Collection method: clinical testing. Allele origin: germline. Affected: yes. Observed: 4 variant alleles.
Comment: FASLG: BS2

Labcorp Genetics (formerly Invitae), Labcorp
Classification: Benign for Autoimmune lymphoproliferative syndrome. Last evaluated: 2025-08-06. Review status: criteria provided, single submitter. Criteria: Invitae Variant Classification Sherloc (09022015). Collection method: clinical testing. Allele origin: germline.

Clinic of Clinical Immunology with Stem Cell Bank, Expert Centre for Rare Diseases - PID, University Hospital "Alexandrovska"
Classification: Pathogenic for Immunodeficiency 98 with autoinflammation, X-linked. Last evaluated: 2022-05-01. Review status: no assertion criteria provided. Collection method: clinical testing. Allele origin: germline. Affected: yes. Not counted in ClinVar's aggregate classification.

NM_000639.3(FASLG):c.259T>C (p.Phe87Leu)

Gene: FASLG (Fas ligand; plus strand). Cytogenetic location: 1q24.3.
Variant type: single nucleotide variant.
Coding change: c.259T>C on transcript NM_000639.3 (MANE Select); coding-DNA position 259, T replaced by C.
Protein change: p.Phe87Leu; replaces phenylalanine 87 with leucine.
Molecular consequence: missense variant.
Genome position (GRCh38, 1-based): chr1:172,659,460, T>C. VCF-style: chr1-172659460-T-C. GRCh37 (hg19) VCF-style: chr1-172628600-T-C.
Other names: c.259T>C, p.Phe87Leu (NM_001302746.2); short protein forms F87L.
Identifiers: ClinVar variation 1170509 (VCV001170509.33), dbSNP rs530390117, ClinGen allele CA1247490.